The following is an entry in ClinVar:

ClinVar aggregate classification (germline): Uncertain significance (1 of 4 stars; one submission).

Conditions:
Primary ciliary dyskinesia. Also called: Ciliary dyskinesia. Identifiers: Orphanet 244, MedGen C0008780, MONDO:0016575, HP:0012265.

Allele frequency attached by ClinVar (database versions not stated): gnomAD exomes below 0.00001.
gnomAD v4.1: 1 of 1,613,998 alleles (0.000062%); highest among the groups gnomAD compares: South Asian, 0.0011%; no homozygotes.

Submission:

Labcorp Genetics (formerly Invitae), Labcorp
Classification: Uncertain significance for Primary ciliary dyskinesia. Last evaluated: 2022-04-11. Review status: criteria provided, single submitter. Criteria: Invitae Variant Classification Sherloc (09022015). Collection method: clinical testing. Allele origin: germline.
Comment: This sequence change replaces leucine, which is neutral and non-polar, with proline, which is neutral and non-polar, at codon 1415 of the DNAH8 protein (p.Leu1415Pro). This variant is present in population databases (no rsID available, gnomAD 0.003%). This variant has not been reported in the literature in individuals affected with DNAH8-related conditions. Algorithms developed to predict the effect of missense changes on protein structure and function are either unavailable or do not agree on the potential impact of this missense change (SIFT: "Deleterious"; PolyPhen-2: "Not Available"; Align-GVGD: "Class C0"). In summary, the available evidence is currently insufficient to determine the role of this variant in disease. Therefore, it has been classified as a Variant of Uncertain Significance.

NM_001206927.2(DNAH8):c.4244T>C (p.Leu1415Pro)

Gene: DNAH8 (dynein axonemal heavy chain 8; plus strand). Cytogenetic location: 6p21.2.
Variant type: single nucleotide variant.
Coding change: c.4244T>C on transcript NM_001206927.2 (MANE Select); coding-DNA position 4244, T replaced by C.
Protein change: p.Leu1415Pro; replaces leucine 1415 with proline.
Molecular consequence: missense variant.
Genome position (GRCh38, 1-based): chr6:38,832,377, T>C. VCF-style: chr6-38832377-T-C. GRCh37 (hg19) VCF-style: chr6-38800153-T-C.
Other names: c.3593T>C, p.Leu1198Pro (NM_001371.4); short protein forms L1198P, L1415P.
Identifiers: ClinVar variation 2122643 (VCV002122643.2), dbSNP rs1367556893, ClinGen allele CA363999386.